The following is an entry in ClinVar:

NM_000535.7(PMS2):c.444C>G (p.Pro148=)

Gene: PMS2 (PMS1 homolog 2, mismatch repair system component; minus strand). Cytogenetic location: 7p22.1.
Variant type: single nucleotide variant.
Coding change: c.444C>G on transcript NM_000535.7 (MANE Select); coding-DNA position 444, C replaced by G.
Protein change: p.Pro148=; no amino-acid change (proline 148 retained).
Molecular consequence: synonymous variant. On other transcripts: 5 prime UTR variant (2), non-coding transcript variant (1).
Genome position (GRCh38, 1-based): chr7:6,002,546, G>C on the plus strand (C>G on the coding strand, the complement: PMS2 is on the minus strand). VCF-style: chr7-6002546-G-C. GRCh37 (hg19) VCF-style: chr7-6042177-G-C.
Other names: c.39C>G, p.Pro13= (NM_001322003.2, NM_001322004.2, NM_001322005.2 and 3 more transcripts); c.444C>G, p.Pro148= (NM_001322006.2, NM_001322014.2); c.126C>G, p.Pro42= (NM_001322007.2, NM_001322008.2); c.-441C>G (NM_001322011.2, NM_001322012.2); c.135C>G, p.Pro45= (NM_001322015.2).
Identifiers: ClinVar variation 1561124 (VCV001561124.11), dbSNP rs1583403410, ClinGen allele CA453647655.

ClinVar aggregate classification (germline): Benign/Likely benign. Review status: criteria provided, multiple submitters, no conflicts (2 of 4 stars). 3 submissions from 3 submitters: Benign (1); Likely benign (2). Last evaluated 2025-10-07.

Conditions:
Hereditary nonpolyposis colorectal neoplasms. Identifiers: MedGen C0009405, MeSH D003123.
Hereditary cancer-predisposing syndrome. Also called: Tumor predisposition; Hereditary Cancer Syndrome; Hereditary neoplastic syndrome; Neoplastic Syndromes, Hereditary. Identifiers: Orphanet 140162, MedGen C0027672, MeSH D009386, MONDO:0015356.
Lynch syndrome 4 (LYNCH4). Also called: Colorectal cancer, hereditary nonpolyposis, type 4; Hereditary non-polyposis colorectal cancer, type 4. Identifiers: Orphanet 144, MedGen C1838333, MONDO:0013699, OMIM 614337. Disease mechanism: loss of function.

Submissions (3):

Labcorp Genetics (formerly Invitae), Labcorp
Classification: Likely benign for Hereditary nonpolyposis colorectal neoplasms. Last evaluated: 2025-10-07. Review status: criteria provided, single submitter. Criteria: Invitae Variant Classification Sherloc (09022015). Collection method: clinical testing. Allele origin: germline.

Myriad Genetics, Inc.
Classification: Benign for Lynch syndrome 4. Last evaluated: 2025-01-27. Review status: criteria provided, single submitter. Criteria: Myriad Autosomal Dominant, Autosomal Recessive and X-Linked Classification Criteria (2023). Collection method: clinical testing. Allele origin: unknown.
Comment: This variant is considered benign. This variant is a silent/synonymous amino acid change and it is not expected to impact splicing.

Ambry Genetics
Classification: Likely benign for Hereditary cancer-predisposing syndrome. Last evaluated: 2022-10-20. Review status: criteria provided, single submitter. Criteria: Ambry Variant Classification Scheme 2023. Collection method: clinical testing. Allele origin: germline.